The following is an entry in ClinVar:

NM_006739.4(MCM5):c.830C>A (p.Thr277Asn)

Gene: MCM5 (minichromosome maintenance complex component 5; plus strand). Cytogenetic location: 22q12.3.
Variant type: single nucleotide variant.
Coding change: c.830C>A on transcript NM_006739.4 (MANE Select); coding-DNA position 830, C replaced by A.
Protein change: p.Thr277Asn; replaces threonine 277 with asparagine.
Molecular consequence: missense variant.
Genome position (GRCh38, 1-based): chr22:35,410,821, C>A. VCF-style: chr22-35410821-C-A. GRCh37 (hg19) VCF-style: chr22-35806814-C-A.
Other names: short protein forms T277N.
Identifiers: ClinVar variation 1034303 (VCV001034303.8), dbSNP rs956123297, ClinGen allele CA323490038.

ClinVar aggregate classification (germline): Uncertain significance. Review status: criteria provided, multiple submitters, no conflicts (2 of 4 stars). 2 submissions from 2 submitters: Uncertain significance (2). Last evaluated 2021-02-17.

Conditions:
Meier-Gorlin syndrome 8. Identifiers: MedGen C4479655, MONDO:0033046, OMIM 617564.

Allele frequency attached by ClinVar (database versions not stated): gnomAD exomes below 0.00001; TOPMed below 0.00001.
gnomAD v4.1: 3 of 1,614,112 alleles (0.00019%); highest among the groups gnomAD compares: Admixed American, 0.005%; no homozygotes.

Submissions (2):

Labcorp Genetics (formerly Invitae), Labcorp
Classification: Uncertain significance. Last evaluated: 2021-02-17. Review status: criteria provided, single submitter. Criteria: Invitae Variant Classification Sherloc (09022015). Collection method: clinical testing. Allele origin: germline.
Comment: Algorithms developed to predict the effect of missense changes on protein structure and function output the following: SIFT: "Tolerated"; PolyPhen-2: "Benign"; Align-GVGD: "Class C0". The asparagine amino acid residue is found in multiple mammalian species, suggesting that this missense change does not adversely affect protein function. These predictions have not been confirmed by published functional studies and their clinical significance is uncertain. This variant has not been reported in the literature in individuals with MCM5-related conditions. This variant is not present in population databases (ExAC no frequency). This sequence change replaces threonine with asparagine at codon 277 of the MCM5 protein (p.Thr277Asn). The threonine residue is weakly conserved and there is a small physicochemical difference between threonine and asparagine. In summary, the available evidence is currently insufficient to determine the role of this variant in disease. Therefore, it has been classified as a Variant of Uncertain Significance.

Baylor Genetics
Classification: Uncertain significance for Meier-Gorlin syndrome 8. Last evaluated: 2018-08-16. Review status: criteria provided, single submitter. Criteria: ACMG Guidelines, 2015. Collection method: clinical testing. Allele origin: paternal. Affected: yes.
Comment: This variant was determined to be of uncertain significance according to ACMG Guidelines, 2015 [PMID:25741868].